The following is an entry in ClinVar:

NM_015602.4(TOR1AIP1):c.177C>A (p.Phe59Leu)

Genes: TOR1AIP1 (torsin 1A interacting protein 1; plus strand), LOC112577517 (Sharpr-MPRA regulatory region 13766; plus strand). Cytogenetic location: 1q25.2.
Variant type: single nucleotide variant.
Coding change: c.177C>A on transcript NM_015602.4 (MANE Select); coding-DNA position 177, C replaced by A.
Protein change: p.Phe59Leu; replaces phenylalanine 59 with leucine.
Molecular consequence: missense variant.
Genome position (GRCh38, 1-based): chr1:179,882,679, C>A. VCF-style: chr1-179882679-C-A. GRCh37 (hg19) VCF-style: chr1-179851814-C-A.
Other names: c.177C>A, p.Phe59Leu (NM_001267578.2); short protein forms F59L.
Identifiers: ClinVar variation 542850 (VCV000542850.8), dbSNP rs1553240735, ClinGen allele CA343577780.

ClinVar aggregate classification (germline): Uncertain significance (1 of 4 stars; one submission).

Conditions:
Autosomal recessive limb-girdle muscular dystrophy type 2Y (MRRSDC). Also called: Muscular dystrophy, autosomal recessive, with rigid spine and distal joint contractures; Muscular dystrophy, limb-girdle, type 2y. Identifiers: Orphanet 424261, MedGen C4511482, MONDO:0014900, OMIM 617072.

Allele frequency attached by ClinVar (database versions not stated): gnomAD exomes below 0.00001.
gnomAD v4.1: 4 of 1,602,326 alleles (0.00025%); highest among the groups gnomAD compares: Admixed American, 0.0051%; no homozygotes.

Submission:

Labcorp Genetics (formerly Invitae), Labcorp
Classification: Uncertain significance for Autosomal recessive limb-girdle muscular dystrophy type 2Y. Last evaluated: 2023-07-26. Review status: criteria provided, single submitter. Criteria: Invitae Variant Classification Sherloc (09022015). Collection method: clinical testing. Allele origin: germline.
Comment: In summary, the available evidence is currently insufficient to determine the role of this variant in disease. Therefore, it has been classified as a Variant of Uncertain Significance. An algorithm developed to predict the effect of missense changes on protein structure and function (PolyPhen-2) suggests that this variant is likely to be disruptive. ClinVar contains an entry for this variant (Variation ID: 542850). This variant has not been reported in the literature in individuals affected with TOR1AIP1-related conditions. This variant is not present in population databases (gnomAD no frequency). This sequence change replaces phenylalanine, which is neutral and non-polar, with leucine, which is neutral and non-polar, at codon 59 of the TOR1AIP1 protein (p.Phe59Leu).